The following is an entry in ClinVar:

NM_024675.4(PALB2):c.1373C>T (p.Thr458Ile)

Gene: PALB2 (partner and localizer of BRCA2; minus strand). Cytogenetic location: 16p12.2.
Variant type: single nucleotide variant.
Coding change: c.1373C>T on transcript NM_024675.4 (MANE Select); coding-DNA position 1373, C replaced by T.
Protein change: p.Thr458Ile; replaces threonine 458 with isoleucine.
Molecular consequence: missense variant. On other transcripts: intron variant (3).
Genome position (GRCh38, 1-based): chr16:23,635,173, G>A on the plus strand (C>T on the coding strand, the complement: PALB2 is on the minus strand). VCF-style: chr16-23635173-G-A. GRCh37 (hg19) VCF-style: chr16-23646494-G-A.
Other names: c.1313C>T, p.Thr438Ile (NM_001407296.1); c.1373C>T, p.Thr458Ile (NM_001407297.1, NM_001407298.1, NM_001407299.1 and 3 more transcripts); c.488C>T, p.Thr163Ile (NM_001407304.1, NM_001407305.1, NM_001407306.1 and 5 more transcripts); c.49-5898C>T (NM_001407314.1); c.-104-4704C>T (NM_001407313.1, NM_001407312.1); short protein forms T163I, T458I, T438I.
Identifiers: ClinVar variation 3885230 (VCV003885230.1).

ClinVar aggregate classification (germline): Uncertain significance (1 of 4 stars; one submission).

Conditions:
Hereditary cancer-predisposing syndrome. Also called: Tumor predisposition; Neoplastic Syndromes, Hereditary; Hereditary Cancer Syndrome; Hereditary neoplastic syndrome. Identifiers: Orphanet 140162, MedGen C0027672, MeSH D009386, MONDO:0015356.

Submission:

Ambry Genetics
Classification: Uncertain significance for Hereditary cancer-predisposing syndrome. Last evaluated: 2025-03-07. Review status: criteria provided, single submitter. Criteria: Ambry Variant Classification Scheme 2023. Collection method: clinical testing. Allele origin: germline.
Comment: The p.T458I variant (also known as c.1373C>T), located in coding exon 4 of the PALB2 gene, results from a C to T substitution at nucleotide position 1373. The threonine at codon 458 is replaced by isoleucine, an amino acid with similar properties. This amino acid position is conserved. In addition, this alteration is predicted to be tolerated by in silico analysis. Based on the available evidence, the clinical significance of this variant remains unclear.